The following is an entry in ClinVar:

NM_001002255.2(SUMO4):c.2T>C (p.Met1Thr)

Genes: SUMO4 (small ubiquitin like modifier 4; plus strand), TAB2 (TGF-beta activated kinase 1 (MAP3K7) binding protein 2; plus strand). Cytogenetic location: 6q25.1.
Variant type: single nucleotide variant.
Coding change: c.2T>C on transcript NM_001002255.2 (MANE Select); coding-DNA position 2, T replaced by C.
Protein change: p.Met1Thr; changes the start codon (methionine 1).
Molecular consequence: missense variant, initiator codon variant. On other transcripts: intron variant (4).
Genome position (GRCh38, 1-based): chr6:149,400,393, T>C. VCF-style: chr6-149400393-T-C. GRCh37 (hg19) VCF-style: chr6-149721529-T-C.
Other names: c.1843+1209T>C (NM_001292035.3); c.1939+1209T>C (NM_001369506.1, NM_001292034.3, NM_015093.6); short protein forms M1T.
Identifiers: ClinVar variation 2656989 (VCV002656989.24), dbSNP rs17875292, ClinGen allele CA4041697.
Genomic context (GRCh38, chr6:149,400,393, plus strand): 5'-AGGTGCGGACCCGCCACCTCTTTTGTGAAGCAGCAGCTGAGGAGACTCCGGTGTTCACCA[T>C]GGCCAACGAAAAGCCCACAGAAGAAGTCAAGACTGAGAACAACAATCATATTAATTTGAA-3'
Protein context (NP_001002255.1, residues 1-11): [Met1Thr]ANEKPTEEVK

ClinVar aggregate classification (germline): Likely benign (1 of 4 stars; one submission).

Allele frequency attached by ClinVar (database versions not stated): 1000 Genomes Project 0.00020; 1000 Genomes Project 30x 0.00062; gnomAD 0.00079; TOPMed 0.00082; ExAC 0.00093; ESP Exome Variant Server 0.00100; gnomAD exomes 0.00136.
gnomAD v4.1: 2,073 of 1,613,970 alleles (0.13%); highest among the groups gnomAD compares: Non-Finnish European, 0.17%; 1 homozygote.

Submission:

CeGaT Center for Human Genetics Tuebingen
Classification: Likely benign. Last evaluated: 2026-03-01. Review status: criteria provided, single submitter. Criteria: CeGaT Center For Human Genetics Tuebingen Variant Classification Criteria Version 2. Collection method: clinical testing. Allele origin: germline. Affected: yes. Observed: 4 variant alleles.
Comment: SUMO4: BP4, BS1